The following is an entry in ClinVar:

ClinVar aggregate classification (germline): Uncertain significance (1 of 4 stars; one submission).

Conditions:
Hereditary cancer-predisposing syndrome. Also called: Neoplastic Syndromes, Hereditary; Tumor predisposition; Hereditary Cancer Syndrome; Hereditary neoplastic syndrome. Identifiers: Orphanet 140162, MedGen C0027672, MeSH D009386, MONDO:0015356.

Allele frequency attached by ClinVar (database versions not stated): gnomAD exomes below 0.00001.
gnomAD v4.1: 1 of 1,606,924 alleles (0.000062%); highest among the groups gnomAD compares: Non-Finnish European, 0.000085%; no homozygotes.

Submission:

Color Diagnostics, LLC DBA Color Health
Classification: Uncertain significance for Hereditary cancer-predisposing syndrome. Last evaluated: 2021-09-07. Review status: criteria provided, single submitter. Criteria: ACMG Guidelines, 2015. Collection method: clinical testing. Allele origin: germline.
Comment: This variant causes an A to G nucleotide substitution at the +6 position of intron 9 of the CHEK2 gene. Splice site prediction tools indicate that this variant is unlikely to impact RNA splicing. To our knowledge, functional studies have not been reported for this variant. This variant has not been reported in individuals affected with hereditary cancer in the literature. This variant has not been identified in the general population by the Genome Aggregation Database (gnomAD). The available evidence is insufficient to determine the role of this variant in disease conclusively. Therefore, this variant is classified as a Variant of Uncertain Significance.

NM_007194.4(CHEK2):c.1008+6A>G

Gene: CHEK2 (checkpoint kinase 2; minus strand). Cytogenetic location: 22q12.1.
Variant type: single nucleotide variant.
Coding change: c.1008+6A>G on transcript NM_007194.4 (MANE Select); 6 bases into the intron after coding-DNA position 1008, A replaced by G.
Molecular consequence: intron variant.
Genome position (GRCh38, 1-based): chr22:28,699,832, T>C on the plus strand (A>G on the coding strand, the complement: CHEK2 is on the minus strand). VCF-style: chr22-28699832-T-C. GRCh37 (hg19) VCF-style: chr22-29095820-T-C.
Other names: c.345+6A>G (NM_001437942.1, NM_001257387.3); c.807+6A>G (NM_001349956.3); c.1008+6A>G (NM_145862.3); c.1101+6A>G (NM_001438295.1, NM_001438293.1); c.1137+6A>G (NM_001438294.1, NM_001005735.3).
Identifiers: ClinVar variation 2775068 (VCV002775068.1), dbSNP rs2145841162, ClinGen allele CA2655953358.